The following is an entry in ClinVar:

ClinVar aggregate classification (germline): Uncertain significance (1 of 4 stars; one submission).

gnomAD v4.1: 1 of 1,614,130 alleles (0.000062%); highest among the groups gnomAD compares: East Asian, 0.0022%; no homozygotes.

Submission:

Labcorp Genetics (formerly Invitae), Labcorp
Classification: Uncertain significance. Last evaluated: 2025-07-09. Review status: criteria provided, single submitter. Criteria: Invitae Variant Classification Sherloc (09022015). Collection method: clinical testing. Allele origin: germline.
Comment: This sequence change replaces lysine, which is basic and polar, with threonine, which is neutral and polar, at codon 239 of the FLNB protein (p.Lys239Thr). This variant is not present in population databases (gnomAD no frequency). This variant has not been reported in the literature in individuals affected with FLNB-related conditions. Invitae Evidence Modeling of protein sequence and biophysical properties (such as structural, functional, and spatial information, amino acid conservation, physicochemical variation, residue mobility, and thermodynamic stability) indicates that this missense variant is not expected to disrupt FLNB protein function with a negative predictive value of 95%. In summary, the available evidence is currently insufficient to determine the role of this variant in disease. Therefore, it has been classified as a Variant of Uncertain Significance.

NM_001457.4(FLNB):c.716A>C (p.Lys239Thr)

Gene: FLNB (filamin B; plus strand). Cytogenetic location: 3p14.3.
Variant type: single nucleotide variant.
Coding change: c.716A>C on transcript NM_001457.4 (MANE Select); coding-DNA position 716, A replaced by C.
Protein change: p.Lys239Thr; replaces lysine 239 with threonine.
Molecular consequence: missense variant.
Genome position (GRCh38, 1-based): chr3:58,081,705, A>C. VCF-style: chr3-58081705-A-C. GRCh37 (hg19) VCF-style: chr3-58067432-A-C.
Other names: c.716A>C, p.Lys239Thr (NM_001164317.2, NM_001164318.2, NM_001164319.2); short protein forms K239T.
Identifiers: ClinVar variation 4801680 (VCV004801680.1).
Genomic context (GRCh38, chr3:58,081,705, plus strand): 5'-AAATCATTCACCCGGATGTGGACGAGCACTCAGTTATGACTTACCTGTCCCAGTTCCCCA[A>C]AGCCAAGCTCAAGCCGGGGGCTCCTCTCAAACCCAAACTCAACCCGAAGAAAGCCAGGGC-3'
Protein context (NP_001448.2, residues 229-249): SVMTYLSQFP[Lys239Thr]AKLKPGAPLK